The following is an entry in ClinVar:

ClinVar aggregate classification (germline): Uncertain significance (1 of 4 stars; one submission).

Submission:

Labcorp Genetics (formerly Invitae), Labcorp
Classification: Uncertain significance. Last evaluated: 2022-01-26. Review status: criteria provided, single submitter. Criteria: Invitae Variant Classification Sherloc (09022015). Collection method: clinical testing. Allele origin: germline.
Comment: In summary, the available evidence is currently insufficient to determine the role of this variant in disease. Therefore, it has been classified as a Variant of Uncertain Significance. Algorithms developed to predict the effect of missense changes on protein structure and function output the following: SIFT: "Not Available"; PolyPhen-2: "Benign"; Align-GVGD: "Not Available". The arginine amino acid residue is found in multiple mammalian species, which suggests that this missense change does not adversely affect protein function. This variant has not been reported in the literature in individuals affected with BGN-related conditions. This variant is not present in population databases (gnomAD no frequency). This sequence change replaces tryptophan, which is neutral and slightly polar, with arginine, which is basic and polar, at codon 2 of the BGN protein (p.Trp2Arg).

NM_001711.6(BGN):c.4T>C (p.Trp2Arg)

Gene: BGN (biglycan; plus strand). Cytogenetic location: Xq28.
Variant type: single nucleotide variant.
Coding change: c.4T>C on transcript NM_001711.6 (MANE Select); coding-DNA position 4, T replaced by C.
Protein change: p.Trp2Arg; replaces tryptophan 2 with arginine.
Molecular consequence: missense variant.
Genome position (GRCh38, 1-based): chrX:153,504,635, T>C. VCF-style: chrX-153504635-T-C. GRCh37 (hg19) VCF-style: chrX-152770093-T-C.
Other names: short protein forms W2R.
Identifiers: ClinVar variation 2089480 (VCV002089480.4), dbSNP rs2521203165, ClinGen allele CA415067655.